The following is an entry in ClinVar:

ClinVar aggregate classification (germline): Pathogenic. Review status: criteria provided, multiple submitters, no conflicts (2 of 4 stars). 2 submissions from 2 submitters: Pathogenic (2). Last evaluated 2025-09-05.

Conditions:
Microcephaly 8, primary, autosomal recessive. Identifiers: Orphanet 2512, MedGen C3553414, MONDO:0013849, OMIM 614673.

gnomAD v4.1: 32 of 1,608,520 alleles (0.002%); highest among the groups gnomAD compares: African/African-American, 0.0067%; no homozygotes.

Submissions (2):

Variantyx, Inc.
Classification: Pathogenic for Microcephaly 8, primary, autosomal recessive. Last evaluated: 2025-09-05. Review status: criteria provided, single submitter. Criteria: Variantyx Assertion Criteria 2022. Collection method: clinical testing. Allele origin: germline. Inheritance: Autosomal recessive inheritance. Affected: yes.
Comment: This is a nonsense variant in the CEP135 gene (OMIM: 611423). Pathogenic variants in this gene have been associated with autosomal recessive primary microcephaly 8. This variant introduces a premature termination codon in exon 11 out of 26. It is expected to result in loss of function, which is a known disease mechanism for CEP135 in this disorder (PMID: 22521416, 26657937) (PVS1). The clinical symptoms reported for this proband are highly specific for autosomal recessive primary microcephaly 8, which has a limited genetic etiology (PP4). Based on the current evidence, this variant is classified as pathogenic for autosomal recessive primary microcephaly 8.

Labcorp Genetics (formerly Invitae), Labcorp
Classification: Pathogenic. Last evaluated: 2025-04-11. Review status: criteria provided, single submitter. Criteria: Invitae Variant Classification Sherloc (09022015). Collection method: clinical testing. Allele origin: germline.
Comment: This sequence change creates a premature translational stop signal (p.Arg418*) in the CEP135 gene. It is expected to result in an absent or disrupted protein product. Loss-of-function variants in CEP135 are known to be pathogenic (PMID: 22521416, 26657937). This variant is present in population databases (rs747812122, gnomAD 0.008%). This variant has not been reported in the literature in individuals affected with CEP135-related conditions. For these reasons, this variant has been classified as Pathogenic.

Literature cited by the submitters: PubMed 22521416 (cited by Variantyx, Inc. and Labcorp Genetics (formerly Invitae), Labcorp); PubMed 26657937 (cited by Variantyx, Inc. and Labcorp Genetics (formerly Invitae), Labcorp).

NM_025009.5(CEP135):c.1252C>T (p.Arg418Ter)

Gene: CEP135 (centrosomal protein 135; plus strand). Cytogenetic location: 4q12.
Variant type: single nucleotide variant.
Coding change: c.1252C>T on transcript NM_025009.5 (MANE Select); coding-DNA position 1252, C replaced by T.
Protein change: p.Arg418Ter; replaces arginine 418 with a stop codon.
Molecular consequence: nonsense.
Genome position (GRCh38, 1-based): chr4:55,974,748, C>T. VCF-style: chr4-55974748-C-T. GRCh37 (hg19) VCF-style: chr4-56840914-C-T.
Other names: short protein forms R418*.
Identifiers: ClinVar variation 4752169 (VCV004752169.1).
Genomic context (GRCh38, chr4:55,974,748, plus strand): 5'-GACTAATCAACATTATGTATACAACATTATTTTAAGAGTTAACCACTTTAATTTACAGAA[C>T]GACAACTTACTCTGGAGGTTGAGAGGATGAGACTAGAACATGGAATAAAACGTCGAGACA-3'